The following is an entry in ClinVar:

ClinVar aggregate classification (germline): Likely benign (0 of 4 stars; one submission).

Conditions:
SEMA3B-related disorder. Also called: SEMA3B-related condition.

gnomAD v4.1: 3 of 1,613,068 alleles (0.00019%); highest among the groups gnomAD compares: Non-Finnish European, 0.00025%; no homozygotes.

Submission:

PreventionGenetics, part of Exact Sciences
Classification: Likely benign for SEMA3B-related condition. Last evaluated: 2022-05-09. Review status: no assertion criteria provided. Collection method: clinical testing. Allele origin: germline.
Comment: This variant is classified as likely benign based on ACMG/AMP sequence variant interpretation guidelines (Richards et al. 2015 PMID: 25741868, with internal and published modifications).

NM_001290060.2(SEMA3B):c.810+6G>T

Gene: SEMA3B (semaphorin 3B; plus strand). Cytogenetic location: 3p21.31.
Variant type: single nucleotide variant.
Coding change: c.810+6G>T on transcript NM_001290060.2 (MANE Select); 6 bases into the intron after coding-DNA position 810, G replaced by T.
Molecular consequence: intron variant.
Genome position (GRCh38, 1-based): chr3:50,273,449, G>T. VCF-style: chr3-50273449-G-T. GRCh37 (hg19) VCF-style: chr3-50310880-G-T.
Other names: c.810+6G>T (NM_004636.4, NM_001005914.3, NM_001290061.1); c.-217+6G>T (NM_001290062.2); c.-219-86G>T (NM_001290063.2).
Identifiers: ClinVar variation 3353690 (VCV003353690.1).